The following is an entry in ClinVar:

NC_000002.11:g.(55908054_55910919)_(55920980_?)dup

Gene: PNPT1 (polyribonucleotide nucleotidyltransferase 1; minus strand). Cytogenetic location: 2p16.1.
Variant type: Duplication.
Identifiers: ClinVar variation 3768015 (VCV003768015.1).

ClinVar aggregate classification (germline): Benign (1 of 4 stars; one submission).

Submission:

Women's Health and Genetics/Laboratory Corporation of America, LabCorp
Classification: Benign. Last evaluated: 2024-12-16. Review status: criteria provided, single submitter. Criteria: LabCorp Variant Classification Summary - May 2015. Collection method: clinical testing. Allele origin: germline.
Comment: Variant summary: The variant involves the duplication of exons 1-5 in the PNPT1 gene. A presumed nomenclature of c.(?_-22)_(453+1_454-1)dup has been designated for the purposes of this classification. The exact breakpoint at the 5' end of this variant is unknown, therefore this duplication may extend upstream of the annotated region of this gene. It is predicted to duplicate a segment including the initiation codon, therefore its impact on the encoded protein is unknown. The variant allele was found at a frequency of 0.018 in 21680 control chromosomes, predominantly at a frequency of 0.041 within the African or African-American subpopulation in the gnomAD database, including 26 homozygotes. The observed variant frequency within African or African-American control individuals in the gnomAD database exceeds the estimated maximal expected allele frequency for a pathogenic variant in PNPT1 causing PNPT1-Related Disorders phenotype. To our knowledge, no occurrence of c.(?_-22)_(453+1_454-1)dup in individuals affected with PNPT1-Related Disorders and no experimental evidence demonstrating its impact on protein function have been reported. ClinVar contains an entry for this variant (Variation ID: 253770). Based on the evidence outlined above, the variant was classified as benign.